The following is an entry in ClinVar:

NM_001276345.2(TNNT2):c.672G>C (p.Glu224Asp)

Gene: TNNT2 (troponin T2, cardiac type; minus strand). Cytogenetic location: 1q32.1.
Variant type: single nucleotide variant.
Coding change: c.672G>C on transcript NM_001276345.2 (MANE Select); coding-DNA position 672, G replaced by C.
Protein change: p.Glu224Asp; replaces glutamic acid 224 with aspartic acid.
Molecular consequence: missense variant.
Genome position (GRCh38, 1-based): chr1:201,361,960, C>G on the plus strand (G>C on the coding strand, the complement: TNNT2 is on the minus strand). VCF-style: chr1-201361960-C-G. GRCh37 (hg19) VCF-style: chr1-201331088-C-G.
Other names: c.642G>C, p.Glu214Asp (NM_001276347.2, NM_001406724.1, NM_001001430.3); c.663G>C, p.Glu221Asp (NM_001406723.1, NM_000364.4); c.639G>C, p.Glu213Asp (NM_001406725.1); c.633G>C, p.Glu211Asp (NM_001406726.1, NM_001406727.1, NM_001001431.3); c.627G>C, p.Glu209Asp (NM_001406728.1); c.624G>C, p.Glu208Asp (NM_001001432.3); c.543G>C, p.Glu181Asp (NM_001276346.2); short protein forms E181D, E208D, E209D, E211D, E213D, E214D, E221D, E224D.
Identifiers: ClinVar variation 3748998 (VCV003748998.2).

ClinVar aggregate classification (germline): Uncertain significance (1 of 4 stars; one submission).

Conditions:
Hypertrophic cardiomyopathy 2. Also called: TNNT2-Related Familial Hypertrophic Cardiomyopathy. Identifiers: MedGen C1861864, MONDO:0007266, OMIM 115195.
Cardiomyopathy, familial restrictive, 3. Identifiers: Orphanet 75249, MedGen C2676271, MONDO:0012900, OMIM 612422.
Dilated cardiomyopathy 1D. Identifiers: Orphanet 154, Orphanet 54260, MedGen C1832243, MONDO:0011095, OMIM 601494.

Submission:

Labcorp Genetics (formerly Invitae), Labcorp
Classification: Uncertain significance for Cardiomyopathy, familial restrictive, 3; Hypertrophic cardiomyopathy 2; Dilated cardiomyopathy 1D. Last evaluated: 2024-08-01. Review status: criteria provided, single submitter. Criteria: Invitae Variant Classification Sherloc (09022015). Collection method: clinical testing. Allele origin: germline.
Comment: This sequence change replaces glutamic acid, which is acidic and polar, with aspartic acid, which is acidic and polar, at codon 214 of the TNNT2 protein (p.Glu214Asp). This variant is not present in population databases (gnomAD no frequency). This variant has not been reported in the literature in individuals affected with TNNT2-related conditions. Advanced modeling of protein sequence and biophysical properties (such as structural, functional, and spatial information, amino acid conservation, physicochemical variation, residue mobility, and thermodynamic stability) has been performed at Invitae for this missense variant, however the output from this modeling did not meet the statistical confidence thresholds required to predict the impact of this variant on TNNT2 protein function. In summary, the available evidence is currently insufficient to determine the role of this variant in disease. Therefore, it has been classified as a Variant of Uncertain Significance.